The following is an entry in ClinVar:

ClinVar aggregate classification (germline): Uncertain significance. Review status: criteria provided, multiple submitters, no conflicts (2 of 4 stars). 3 submissions from 3 submitters: Uncertain significance (3). Last evaluated 2025-03-27.

Conditions:
Hereditary cancer-predisposing syndrome. Also called: Hereditary neoplastic syndrome; Tumor predisposition; Hereditary Cancer Syndrome; Neoplastic Syndromes, Hereditary. Identifiers: Orphanet 140162, MedGen C0027672, MeSH D009386, MONDO:0015356.
POLD1-related polyposis and colorectal cancer syndrome (CRCS10). Also called: Colorectal cancer, susceptibility to, 10; Colorectal cancer 10; COLORECTAL CANCER, SUSCEPTIBILITY TO, ON CHROMOSOME 19q. Identifiers: Orphanet 220460, MedGen C2675481, MONDO:0012953, OMIM 612591.

gnomAD v4.1: 1 of 1,613,860 alleles (0.000062%); highest among the groups gnomAD compares: Non-Finnish European, 0.000085%; no homozygotes.

Submissions (3):

Ambry Genetics
Classification: Uncertain significance for Hereditary cancer-predisposing syndrome. Last evaluated: 2025-03-27. Review status: criteria provided, single submitter. Criteria: Ambry Variant Classification Scheme 2023. Collection method: clinical testing. Allele origin: germline.
Comment: The p.V124G variant (also known as c.371T>G), located in coding exon 3 of the POLD1 gene, results from a T to G substitution at nucleotide position 371. The valine at codon 124 is replaced by glycine, an amino acid with dissimilar properties. This amino acid position is poorly conserved in available vertebrate species. In addition, this alteration is predicted to be tolerated by in silico analysis. Based on the available evidence, the clinical significance of this variant remains unclear.

Blueprint Genetics
Classification: Uncertain significance. Last evaluated: 2024-03-15. Review status: criteria provided, single submitter. Criteria: ACMG Guidelines, 2015. Collection method: clinical testing. Allele origin: germline.

Labcorp Genetics (formerly Invitae), Labcorp
Classification: Uncertain significance for POLD1-related polyposis and colorectal cancer syndrome. Last evaluated: 2018-07-31. Review status: criteria provided, single submitter. Criteria: Invitae Variant Classification Sherloc (09022015). Collection method: clinical testing. Allele origin: germline.
Comment: In summary, the available evidence is currently insufficient to determine the role of this variant in disease. Therefore, it has been classified as a Variant of Uncertain Significance. Algorithms developed to predict the effect of missense changes on protein structure and function are either unavailable or do not agree on the potential impact of this missense change (SIFT: "Deleterious"; PolyPhen-2: "Possibly Damaging"; Align-GVGD: "Class C0"). This variant has not been reported in the literature in individuals with POLD1-related disease. This variant is not present in population databases (ExAC no frequency). This sequence change replaces valine with glycine at codon 124 of the POLD1 protein (p.Val124Gly). The valine residue is weakly conserved and there is a moderate physicochemical difference between valine and glycine.

NM_002691.4(POLD1):c.371T>G (p.Val124Gly)

Gene: POLD1 (DNA polymerase delta 1, catalytic subunit; plus strand). Cytogenetic location: 19q13.33.
Variant type: single nucleotide variant.
Coding change: c.371T>G on transcript NM_002691.4 (MANE Select); coding-DNA position 371, T replaced by G.
Protein change: p.Val124Gly; replaces valine 124 with glycine.
Molecular consequence: missense variant. On other transcripts: non-coding transcript variant (1).
Genome position (GRCh38, 1-based): chr19:50,401,832, T>G. VCF-style: chr19-50401832-T-G. GRCh37 (hg19) VCF-style: chr19-50905089-T-G.
Other names: c.371T>G, p.Val124Gly (NM_001256849.1, NM_001308632.1); c.371T>G (NM_002691.2); short protein forms V124G.
Identifiers: ClinVar variation 642072 (VCV000642072.10), dbSNP rs199993010, ClinGen allele CA406972300.